The following is an entry in ClinVar:

ClinVar aggregate classification (germline): Uncertain significance (1 of 4 stars; one submission).

Conditions:
Hereditary pancreatitis (PCTT). Also called: Hereditary chronic pancreatitis; PRSS1-Related Hereditary Pancreatitis. Identifiers: Orphanet 676, MedGen C0238339, MONDO:0008185, OMIM 167800.

Submission:

Ambry Genetics
Classification: Uncertain significance for Hereditary pancreatitis. Last evaluated: 2025-12-09. Review status: criteria provided, single submitter. Criteria: Ambry Variant Classification Scheme 2023. Collection method: clinical testing. Allele origin: germline.
Comment: The p.H46D variant (also known as c.136C>G), located in coding exon 2 of the PRSS1 gene, results from a C to G substitution at nucleotide position 136. The histidine at codon 46 is replaced by aspartic acid, an amino acid with similar properties. This amino acid position is conserved. In addition, this alteration is predicted to be deleterious by in silico analysis. Since supporting evidence is limited at this time, the clinical significance of this alteration remains unclear.

NM_002769.5(PRSS1):c.136C>G (p.His46Asp)

Genes: PRSS1 (serine protease 1; plus strand), TRB (T cell receptor beta locus; plus strand). Cytogenetic location: 7q34.
Variant type: single nucleotide variant.
Coding change: c.136C>G on transcript NM_002769.5 (MANE Select); coding-DNA position 136, C replaced by G.
Protein change: p.His46Asp; replaces histidine 46 with aspartic acid.
Molecular consequence: missense variant. On other transcripts: non-coding transcript variant (4).
Genome position (GRCh38, 1-based): chr7:142,750,650, C>G. VCF-style: chr7-142750650-C-G. GRCh37 (hg19) VCF-style: chr7-142458501-C-G.
Other names: short protein forms H46D.
Identifiers: ClinVar variation 3222786 (VCV003222786.2), dbSNP rs1798623412, ClinGen allele CA369607351.